The following is an entry in ClinVar:

NM_001130144.3(LTBP3):c.641C>T (p.Pro214Leu)

Gene: LTBP3 (latent transforming growth factor beta binding protein 3; minus strand). Cytogenetic location: 11q13.1.
Variant type: single nucleotide variant.
Coding change: c.641C>T on transcript NM_001130144.3 (MANE Select); coding-DNA position 641, C replaced by T.
Protein change: p.Pro214Leu; replaces proline 214 with leucine.
Molecular consequence: missense variant.
Genome position (GRCh38, 1-based): chr11:65,554,071, G>A on the plus strand (C>T on the coding strand, the complement: LTBP3 is on the minus strand). VCF-style: chr11-65554071-G-A. GRCh37 (hg19) VCF-style: chr11-65321542-G-A.
Other names: c.641C>T (NM_001130144.2); c.290C>T, p.Pro97Leu (NM_001164266.1); c.641C>T, p.Pro214Leu (NM_021070.4); short protein forms P214L, P97L.
Identifiers: ClinVar variation 2076671 (VCV002076671.6), dbSNP rs778057021, ClinGen allele CA6101196.

ClinVar aggregate classification (germline): Uncertain significance. Review status: criteria provided, multiple submitters, no conflicts (2 of 4 stars). 2 submissions from 2 submitters: Uncertain significance (2). Last evaluated 2025-08-04.

Conditions:
Inborn genetic diseases. Identifiers: MedGen C0950123, MeSH D030342.
Brachyolmia-amelogenesis imperfecta syndrome. Also called: PLATYSPONDYLY WITH AMELOGENESIS IMPERFECTA; Tooth agenesis, selective, 6; Dental anomalies and short stature. Identifiers: Orphanet 2899, MedGen C1832594, MONDO:0011018, OMIM 601216. Disease mechanism: loss of function.

Allele frequency attached by ClinVar (database versions not stated): ExAC 0.00001; gnomAD 0.00001; gnomAD exomes 0.00001.
gnomAD v4.1: 14 of 1,605,228 alleles (0.00087%); highest among the groups gnomAD compares: East Asian, 0.0022%; no homozygotes.

Submissions (2):

Labcorp Genetics (formerly Invitae), Labcorp
Classification: Uncertain significance for Brachyolmia-amelogenesis imperfecta syndrome. Last evaluated: 2025-08-04. Review status: criteria provided, single submitter. Criteria: Invitae Variant Classification Sherloc (09022015). Collection method: clinical testing. Allele origin: germline.
Comment: This sequence change replaces proline, which is neutral and non-polar, with leucine, which is neutral and non-polar, at codon 214 of the LTBP3 protein (p.Pro214Leu). The frequency data for this variant in the population databases is considered unreliable, as metrics indicate poor data quality at this position in the gnomAD database. This variant has not been reported in the literature in individuals affected with LTBP3-related conditions. ClinVar contains an entry for this variant (Variation ID: 2076671). An algorithm developed to predict the effect of missense changes on protein structure and function (PolyPhen-2) suggests that this variant is likely to be disruptive. In summary, the available evidence is currently insufficient to determine the role of this variant in disease. Therefore, it has been classified as a Variant of Uncertain Significance.

Ambry Genetics
Classification: Uncertain significance for Inborn genetic diseases. Last evaluated: 2022-11-19. Review status: criteria provided, single submitter. Criteria: Ambry Variant Classification Scheme 2023. Collection method: clinical testing. Allele origin: germline.
Comment: The p.P214L variant (also known as c.641C>T), located in coding exon 2 of the LTBP3 gene, results from a C to T substitution at nucleotide position 641. The proline at codon 214 is replaced by leucine, an amino acid with similar properties. This amino acid position is conserved. In addition, the in silico prediction for this alteration is inconclusive. Since supporting evidence is limited at this time, the clinical significance of this alteration remains unclear.